The following is an entry in ClinVar:

NM_000038.6(APC):c.6348T>C (p.His2116=)

Gene: APC (APC regulator of Wnt signaling pathway; plus strand). Cytogenetic location: 5q22.2.
Variant type: single nucleotide variant.
Coding change: c.6348T>C on transcript NM_000038.6 (MANE Select); coding-DNA position 6348, T replaced by C.
Protein change: p.His2116=; no amino-acid change (histidine 2116 retained).
Molecular consequence: synonymous variant.
Genome position (GRCh38, 1-based): chr5:112,841,942, T>C. VCF-style: chr5-112841942-T-C. GRCh37 (hg19) VCF-style: chr5-112177639-T-C.
Other names: c.6348T>C, p.His2116= (NM_001127510.3, NM_001354895.2); c.6294T>C, p.His2098= (NM_001127511.3); c.6402T>C, p.His2134= (NM_001354896.2); c.6378T>C, p.His2126= (NM_001354897.2); c.6273T>C, p.His2091= (NM_001354898.2); c.6264T>C, p.His2088= (NM_001354899.2); c.6225T>C, p.His2075= (NM_001354900.2); c.6171T>C, p.His2057= (NM_001354901.2); and 5 more.
Identifiers: ClinVar variation 470042 (VCV000470042.16), dbSNP rs1346330298, ClinGen allele CA446210352.

ClinVar aggregate classification (germline): Benign/Likely benign. Review status: criteria provided, multiple submitters, no conflicts (2 of 4 stars). 4 submissions from 4 submitters: Benign (1); Likely benign (3). Last evaluated 2024-04-04.

Conditions:
Familial adenomatous polyposis 1 (FAP1). Also called: POLYPOSIS, ADENOMATOUS INTESTINAL; FAMILIAL ADENOMATOUS POLYPOSIS 1, ATTENUATED. Identifiers: MedGen C2713442, MONDO:0021056, OMIM 175100. Disease mechanism: loss of function.
Classic or attenuated familial adenomatous polyposis. Identifiers: MedGen CN372698, MONDO:0021057.
Hereditary cancer-predisposing syndrome. Also called: Hereditary neoplastic syndrome; Neoplastic Syndromes, Hereditary; Tumor predisposition; Hereditary Cancer Syndrome. Identifiers: Orphanet 140162, MedGen C0027672, MeSH D009386, MONDO:0015356.

Allele frequency attached by ClinVar (database versions not stated): gnomAD exomes below 0.00001; TOPMed below 0.00001; gnomAD 0.00001.
gnomAD v4.1: 2 of 1,613,846 alleles (0.00012%); highest among the groups gnomAD compares: African/African-American, 0.0027%; no homozygotes.

Submissions (4):

Myriad Genetics, Inc.
Classification: Benign for Familial adenomatous polyposis 1. Last evaluated: 2024-04-04. Review status: criteria provided, single submitter. Criteria: Myriad Autosomal Dominant, Autosomal Recessive and X-Linked Classification Criteria (2023). Collection method: clinical testing. Allele origin: unknown.
Comment: This variant is considered benign. This variant is a silent/synonymous amino acid change and it is not expected to impact splicing.

All of Us Research Program, National Institutes of Health
Classification: Likely benign for Classic or attenuated familial adenomatous polyposis. Last evaluated: 2023-10-02. Review status: criteria provided, single submitter. Criteria: ACMG Guidelines, 2015. Collection method: clinical testing. Allele origin: germline. Inheritance: Autosomal dominant inheritance. Observed: 2 variant alleles, 2 heterozygotes.
Comment: This study involves interpretation of variants in research participants for the purpose of population health screening. Participant phenotype was not available at the time of variant classification. Additional details can be found in publication PMID: 35346344, PMCID: PMC8962531

Ambry Genetics
Classification: Likely benign for Hereditary cancer-predisposing syndrome. Last evaluated: 2022-08-16. Review status: criteria provided, single submitter. Criteria: Ambry Variant Classification Scheme 2023. Collection method: clinical testing. Allele origin: germline.

Labcorp Genetics (formerly Invitae), Labcorp
Classification: Likely benign for Familial adenomatous polyposis 1. Last evaluated: 2022-04-16. Review status: criteria provided, single submitter. Criteria: Invitae Variant Classification Sherloc (09022015). Collection method: clinical testing. Allele origin: germline.